The following is an entry in ClinVar:

ClinVar aggregate classification (germline): Uncertain significance. Review status: criteria provided, multiple submitters, no conflicts (2 of 4 stars). 2 submissions from 2 submitters: Uncertain significance (2). Last evaluated 2024-11-11.

Conditions:
Autosomal dominant hypocalcemia 1 (HYPOC1). Also called: HYPOCALCEMIA, FAMILIAL. Identifiers: MedGen C3715128, MONDO:0011013, OMIM 601198.
Familial hypocalciuric hypercalcemia (FHH). Also called: Familial benign hypercalcemia. Identifiers: Orphanet 405, MedGen C1809471, MONDO:0018458.
Nephrolithiasis/nephrocalcinosis. Identifiers: MedGen CN580796.

Allele frequency attached by ClinVar (database versions not stated): TOPMed below 0.00001; ExAC 0.00001; gnomAD exomes 0.00001.
gnomAD v4.1: 16 of 1,614,144 alleles (0.00099%); highest among the groups gnomAD compares: Non-Finnish European, 0.0013%; no homozygotes.

Submissions (2):

Labcorp Genetics (formerly Invitae), Labcorp
Classification: Uncertain significance for Familial hypocalciuric hypercalcemia; Autosomal dominant hypocalcemia 1. Last evaluated: 2024-11-11. Review status: criteria provided, single submitter. Criteria: Invitae Variant Classification Sherloc (09022015). Collection method: clinical testing. Allele origin: germline.
Comment: This sequence change replaces threonine, which is neutral and polar, with alanine, which is neutral and non-polar, at codon 609 of the CASR protein (p.Thr609Ala). This variant is present in population databases (rs199761731, gnomAD 0.003%). This variant has not been reported in the literature in individuals affected with CASR-related conditions. ClinVar contains an entry for this variant (Variation ID: 410361). An algorithm developed to predict the effect of missense changes on protein structure and function (PolyPhen-2) suggests that this variant is likely to be tolerated. In summary, the available evidence is currently insufficient to determine the role of this variant in disease. Therefore, it has been classified as a Variant of Uncertain Significance.

Ambry Genetics
Classification: Uncertain significance for Nephrolithiasis/nephrocalcinosis. Last evaluated: 2023-10-02. Review status: criteria provided, single submitter. Criteria: Ambry Variant Classification Scheme 2023. Collection method: clinical testing. Allele origin: germline.
Comment: The p.T609A variant (also known as c.1825A>G), located in coding exon 6 of the CASR gene, results from an A to G substitution at nucleotide position 1825. The threonine at codon 609 is replaced by alanine, an amino acid with similar properties. This amino acid position is well conserved in available vertebrate species. In addition, the in silico prediction for this alteration is inconclusive. Since supporting evidence is limited at this time, the clinical significance of this alteration remains unclear.

NM_000388.4(CASR):c.1825A>G (p.Thr609Ala)

Gene: CASR (calcium sensing receptor; plus strand). Cytogenetic location: 3q21.1.
Variant type: single nucleotide variant.
Coding change: c.1825A>G on transcript NM_000388.4 (MANE Select); coding-DNA position 1825, A replaced by G.
Protein change: p.Thr609Ala; replaces threonine 609 with alanine.
Molecular consequence: missense variant.
Genome position (GRCh38, 1-based): chr3:122,283,779, A>G. VCF-style: chr3-122283779-A-G. GRCh37 (hg19) VCF-style: chr3-122002626-A-G.
Other names: c.1855A>G, p.Thr619Ala (NM_001178065.2); short protein forms T609A, T619A.
Identifiers: ClinVar variation 410361 (VCV000410361.14), dbSNP rs199761731, ClinGen allele CA2569748.